The following is an entry in ClinVar:

NM_004183.4(BEST1):c.1612G>C (p.Glu538Gln)

Gene: BEST1 (bestrophin 1; plus strand). Cytogenetic location: 11q12.3.
Variant type: single nucleotide variant.
Coding change: c.1612G>C on transcript NM_004183.4 (MANE Select); coding-DNA position 1612, G replaced by C.
Protein change: p.Glu538Gln; replaces glutamic acid 538 with glutamine.
Molecular consequence: missense variant. On other transcripts: non-coding transcript variant (1).
Genome position (GRCh38, 1-based): chr11:61,962,766, G>C. VCF-style: chr11-61962766-G-C. GRCh37 (hg19) VCF-style: chr11-61730238-G-C.
Other names: c.1432G>C, p.Glu478Gln (NM_001139443.3, NM_001300787.2); c.1351G>C, p.Glu451Gln (NM_001300786.2); c.1294G>C, p.Glu432Gln (NM_001363591.3); c.*507G>C (NM_001363592.2); c.640G>C, p.Glu214Gln (NM_001363593.3); short protein forms E214Q, E451Q, E478Q, E432Q, E538Q.
Identifiers: ClinVar variation 2796258 (VCV002796258.3), dbSNP rs1942208203, ClinGen allele CA380849932.
Genomic context (GRCh38, chr11:61,962,766, plus strand): 5'-GAGAGCGATGGGGCCTTGATGGAGCACCCAGAAGTATCTCAAGTGAGGAGGAAAACTGTG[G>C]AGTTTAACCTGACGGATATGCCAGAGATCCCCGAAAATCACCTCAAAGAACCTTTGGAAC-3'
Protein context (NP_004174.1, residues 528-548): EVSQVRRKTV[Glu538Gln]FNLTDMPEIP

ClinVar aggregate classification (germline): Uncertain significance (1 of 4 stars; one submission).

Allele frequency attached by ClinVar (database versions not stated): TOPMed below 0.00001.

Submission:

Labcorp Genetics (formerly Invitae), Labcorp
Classification: Uncertain significance. Last evaluated: 2023-05-11. Review status: criteria provided, single submitter. Criteria: Invitae Variant Classification Sherloc (09022015). Collection method: clinical testing. Allele origin: germline.
Comment: In summary, the available evidence is currently insufficient to determine the role of this variant in disease. Therefore, it has been classified as a Variant of Uncertain Significance. Advanced modeling of protein sequence and biophysical properties (such as structural, functional, and spatial information, amino acid conservation, physicochemical variation, residue mobility, and thermodynamic stability) performed at Invitae indicates that this missense variant is expected to disrupt BEST1 protein function. This variant has not been reported in the literature in individuals affected with BEST1-related conditions. This variant is not present in population databases (gnomAD no frequency). This sequence change replaces glutamic acid, which is acidic and polar, with glutamine, which is neutral and polar, at codon 538 of the BEST1 protein (p.Glu538Gln).